The following is an entry in ClinVar:

ClinVar aggregate classification (germline): Uncertain significance (1 of 4 stars; one submission).

Conditions:
Emery-Dreifuss muscular dystrophy 5, autosomal dominant (EDMD5). Also called: EMERY-DREIFUSS MUSCULAR DYSTROPHY 5. Identifiers: Orphanet 261, MedGen C2751805, MONDO:0013072, OMIM 612999.

gnomAD v4.1: 20 of 1,613,828 alleles (0.0012%); highest among the groups gnomAD compares: Non-Finnish European, 0.0015%; 1 homozygote.

Submission:

Labcorp Genetics (formerly Invitae), Labcorp
Classification: Uncertain significance for Emery-Dreifuss muscular dystrophy 5, autosomal dominant. Last evaluated: 2025-03-27. Review status: criteria provided, single submitter. Criteria: Invitae Variant Classification Sherloc (09022015). Collection method: clinical testing. Allele origin: germline.
Comment: This sequence change replaces methionine, which is neutral and non-polar, with arginine, which is basic and polar, at codon 3639 of the SYNE2 protein (p.Met3639Arg). This variant is present in population databases (rs749636885, gnomAD 0.004%). This variant has not been reported in the literature in individuals affected with SYNE2-related conditions. An algorithm developed to predict the effect of missense changes on protein structure and function (PolyPhen-2) suggests that this variant is likely to be disruptive. Algorithms developed to predict the effect of sequence changes on RNA splicing suggest that this variant may disrupt the consensus splice site. In summary, the available evidence is currently insufficient to determine the role of this variant in disease. Therefore, it has been classified as a Variant of Uncertain Significance.

NM_182914.3(SYNE2):c.10916T>G (p.Met3639Arg)

Gene: SYNE2 (spectrin repeat containing nuclear envelope protein 2; plus strand). Cytogenetic location: 14q23.2.
Variant type: single nucleotide variant.
Coding change: c.10916T>G on transcript NM_182914.3 (MANE Select); coding-DNA position 10916, T replaced by G.
Protein change: p.Met3639Arg; replaces methionine 3639 with arginine.
Molecular consequence: missense variant.
Genome position (GRCh38, 1-based): chr14:64,075,994, T>G. VCF-style: chr14-64075994-T-G. GRCh37 (hg19) VCF-style: chr14-64542712-T-G.
Other names: c.10916T>G, p.Met3639Arg (NM_015180.6); short protein forms M3639R.
Identifiers: ClinVar variation 4703508 (VCV004703508.1).
Genomic context (GRCh38, chr14:64,075,994, plus strand): 5'-AATGCTTTTAGGAGCTTCAAAGCATCCTTAAGAAAGGGAAACTAACTTTTGAGAATATTA[T>G]GGAAAAACTGCGAATCAAGTATTCCGAAATGTACACCATAGTCCCTGCAGAGATTGAATC-3'
Protein context (NP_878918.2, residues 3629-3649): KKGKLTFENI[Met3639Arg]EKLRIKYSEM